The following is an entry in ClinVar:

NM_000181.4(GUSB):c.1047del (p.Asn349fs)

Gene: GUSB (glucuronidase beta; minus strand). Cytogenetic location: 7q11.21.
Variant type: Deletion.
Coding change: c.1047del on transcript NM_000181.4 (MANE Select); coding-DNA position 1047, one base deleted (C; older notation c.1047delC).
Protein change: p.Asn349fs; shifts the reading frame from asparagine 349.
Molecular consequence: frameshift variant. On other transcripts: non-coding transcript variant (1).
Genome position (GRCh38, 1-based): chr7:65,974,937, G deleted on the plus strand (C on the coding strand, the reverse complement: GUSB is on the minus strand). VCF-style (leftmost placement, unchanged base first): chr7-65974936-TG-T. GRCh37 (hg19) VCF-style: chr7-65439923-TG-T.
Other names: c.609del, p.Asn203fs (NM_001284290.2); c.477del, p.Asn159fs (NM_001293104.2); c.390del, p.Asn130fs (NM_001293105.2); short protein forms N203fs, N130fs, N159fs, N349fs.
Identifiers: ClinVar variation 2736760 (VCV002736760.3), dbSNP rs2484805672, ClinGen allele CA2697557296.
Genomic context (GRCh38, chr7:65,974,936, plus strand): 5'-GACCAGAAGCAGCCCCGACAAGGACCCAGGAGCCCCAACACACGTCCGCATCCTCATGCT[TG>T]TTGACACCGTGGAAATAGAAAGGTTTCCCATTGATGAGGAACTGGCTCTTGGTGACAGCC-3'

ClinVar aggregate classification (germline): Pathogenic (1 of 4 stars; one submission).

Conditions:
Mucopolysaccharidosis type 7 (MPS7). Also called: MPS VII; BETA-GLUCURONIDASE DEFICIENCY; GUSB DEFICIENCY; SLY SYNDROME. Identifiers: Orphanet 584, MedGen C0085132, MONDO:0009662, OMIM 253220.

Submission:

Labcorp Genetics (formerly Invitae), Labcorp
Classification: Pathogenic for Mucopolysaccharidosis type 7. Last evaluated: 2023-07-07. Review status: criteria provided, single submitter. Criteria: Invitae Variant Classification Sherloc (09022015). Collection method: clinical testing. Allele origin: germline.
Comment: This sequence change creates a premature translational stop signal (p.Asn349Lysfs*19) in the GUSB gene. It is expected to result in an absent or disrupted protein product. Loss-of-function variants in GUSB are known to be pathogenic (PMID: 19224584). This variant is not present in population databases (gnomAD no frequency). This variant has not been reported in the literature in individuals affected with GUSB-related conditions. Algorithms developed to predict the effect of sequence changes on RNA splicing suggest that this variant may disrupt the consensus splice site. For these reasons, this variant has been classified as Pathogenic.

Literature cited by the submitters: PubMed 19224584.